The following is an entry in ClinVar:

NM_001572.5(IRF7):c.428C>G (p.Ala143Gly)

Gene: IRF7 (interferon regulatory factor 7; minus strand). Cytogenetic location: 11p15.5.
Variant type: single nucleotide variant.
Coding change: c.428C>G on transcript NM_001572.5 (MANE Select); coding-DNA position 428, C replaced by G.
Protein change: p.Ala143Gly; replaces alanine 143 with glycine.
Molecular consequence: missense variant.
Genome position (GRCh38, 1-based): chr11:614,501, G>C on the plus strand (C>G on the coding strand, the complement: IRF7 is on the minus strand). VCF-style: chr11-614501-G-C. GRCh37 (hg19) VCF-style: chr11-614501-G-C.
Other names: c.428C>G, p.Ala143Gly (NM_004029.4); c.467C>G, p.Ala156Gly (NM_004031.4); short protein forms A143G, A156G.
Identifiers: ClinVar variation 1964948 (VCV001964948.5), dbSNP rs764032119, ClinGen allele CA5783960.

ClinVar aggregate classification (germline): Uncertain significance (1 of 4 stars; one submission).

Conditions:
Immunodeficiency 39 (IMD39). Identifiers: Orphanet 574918, MedGen C4225358, MONDO:0014597, OMIM 616345.

Allele frequency attached by ClinVar (database versions not stated): gnomAD 0.00001; ExAC 0.00004.
gnomAD v4.1: 7 of 1,560,160 alleles (0.00045%); highest among the groups gnomAD compares: South Asian, 0.0071%; no homozygotes.

Submission:

Labcorp Genetics (formerly Invitae), Labcorp
Classification: Uncertain significance for Immunodeficiency 39. Last evaluated: 2024-11-18. Review status: criteria provided, single submitter. Criteria: Invitae Variant Classification Sherloc (09022015). Collection method: clinical testing. Allele origin: germline.
Comment: This sequence change replaces alanine, which is neutral and non-polar, with glycine, which is neutral and non-polar, at codon 156 of the IRF7 protein (p.Ala156Gly). This variant is present in population databases (rs764032119, gnomAD 0.008%). This variant has not been reported in the literature in individuals affected with IRF7-related conditions. ClinVar contains an entry for this variant (Variation ID: 1964948). Invitae Evidence Modeling of protein sequence and biophysical properties (such as structural, functional, and spatial information, amino acid conservation, physicochemical variation, residue mobility, and thermodynamic stability) indicates that this missense variant is not expected to disrupt IRF7 protein function with a negative predictive value of 80%. In summary, the available evidence is currently insufficient to determine the role of this variant in disease. Therefore, it has been classified as a Variant of Uncertain Significance.